The following is an entry in ClinVar:

ClinVar aggregate classification (germline): Benign/Likely benign. Review status: criteria provided, multiple submitters, no conflicts (2 of 4 stars). 21 submissions from 19 submitters: Benign (14); Likely benign (3). 4 of the submissions do not count toward it. Last evaluated 2026-02-04.

Conditions:
Cardiovascular phenotype. Identifiers: MedGen CN230736.
Cardiomyopathy (CMYO). Also called: Cardiomyopathies. Identifiers: Orphanet 167848, MedGen C0878544, MONDO:0004994, HP:0001638. Inheritance: Various modes of inheritance.
Hypertrophic cardiomyopathy 3. Also called: TPM1-Related Familial Hypertrophic Cardiomyopathy. Identifiers: MedGen C1861863, MONDO:0007267, OMIM 115196.
Dilated cardiomyopathy 1Y (CMD1Y). Identifiers: Orphanet 154, Orphanet 54260, MedGen C2678476, MONDO:0012744, OMIM 611878.
Hypertrophic cardiomyopathy. Also called: HYPERTROPHIC MYOCARDIOPATHY. Identifiers: Orphanet 217569, MedGen C0007194, MeSH D002312, MONDO:0005045, HP:0001639.

Allele frequency attached by ClinVar (database versions not stated): ESP Exome Variant Server 0.05090; ExAC 0.05331; gnomAD exomes 0.05413 and 0.05804; 1000 Genomes Project 30x 0.02405; 1000 Genomes Project 0.02416; TOPMed 0.04452; gnomAD 0.04876 and 0.05001.
gnomAD v4.1: 91,848 of 1,607,220 alleles (5.7%); highest among the groups gnomAD compares: Middle Eastern, 11%; 3,085 homozygotes.

Submissions (21):

Labcorp Genetics (formerly Invitae), Labcorp
Classification: Benign for Hypertrophic cardiomyopathy. Last evaluated: 2026-02-04. Review status: criteria provided, single submitter. Criteria: Invitae Variant Classification Sherloc (09022015). Collection method: clinical testing. Allele origin: germline.

Molecular Diagnostic Laboratory for Inherited Cardiovascular Disease, Montreal Heart Institute
Classification: Benign. Last evaluated: 2025-04-08. Review status: criteria provided, single submitter. Criteria: ACMG Guidelines, 2015. Collection method: clinical testing. Allele origin: germline. Affected: no.

Blueprint Genetics
Classification: Benign. Last evaluated: 2024-11-27. Review status: criteria provided, single submitter. Criteria: ACMG Guidelines, 2015. Collection method: clinical testing. Allele origin: germline.

All of Us Research Program, National Institutes of Health
Classification: Benign for Hypertrophic cardiomyopathy. Last evaluated: 2024-02-05. Review status: criteria provided, single submitter. Criteria: ACMG Guidelines, 2015. Collection method: clinical testing. Allele origin: germline. Inheritance: Autosomal dominant inheritance. Observed: 12,403 variant alleles, 11,962 heterozygotes, 441 homozygotes.
Comment: This study involves interpretation of variants in research participants for the purpose of population health screening. Participant phenotype was not available at the time of variant classification. Additional details can be found in publication PMID: 35346344, PMCID: PMC8962531

Women's Health and Genetics/Laboratory Corporation of America, LabCorp
Classification: Benign. Last evaluated: 2023-04-10. Review status: criteria provided, single submitter. Criteria: LabCorp Variant Classification Summary - May 2015. Collection method: clinical testing. Allele origin: germline.

Cohesion Phenomics
Classification: Likely benign for Hypertrophic Cardiomyopathy. Last evaluated: 2022-09-29. Review status: criteria provided, single submitter. Criteria: ACMG Guidelines, 2015. Collection method: clinical testing. Allele origin: germline. Affected: yes.

Cohesion Phenomics
Classification: Benign for Cardiomyopathy. Last evaluated: 2022-09-27. Review status: criteria provided, single submitter. Criteria: ACMG Guidelines, 2015. Collection method: clinical testing. Allele origin: germline. Affected: yes.

CHEO Genetics Diagnostic Laboratory, Children's Hospital of Eastern Ontario
Classification: Benign for Cardiomyopathy. Last evaluated: 2018-07-03. Review status: criteria provided, single submitter. Criteria: ACMG Guidelines, 2015. Collection method: clinical testing. Allele origin: germline.

Color Diagnostics, LLC DBA Color Health
Classification: Benign for Cardiomyopathy. Last evaluated: 2018-04-03. Review status: criteria provided, single submitter. Criteria: ACMG Guidelines, 2015. Collection method: clinical testing. Allele origin: germline.

Illumina Laboratory Services, Illumina
Classification: Likely benign for Dilated cardiomyopathy 1Y. Last evaluated: 2018-01-13. Review status: criteria provided, single submitter. Criteria: ICSL Variant Classification Criteria 13 December 2019. Collection method: clinical testing. Allele origin: germline.
Comment: This variant was observed in the ICSL laboratory as part of a predisposition screen in an ostensibly healthy population. It had not been previously curated by ICSL or reported in the Human Gene Mutation Database (HGMD: prior to June 1st, 2018), and was therefore a candidate for classification through an automated scoring system. Utilizing variant allele frequency, disease prevalence and penetrance estimates, and inheritance mode, an automated score was calculated to assess if this variant is too frequent to cause the disease. Based on the score and internal cut-off values, a variant classified as likely benign is not then subjected to further curation. The score for this variant resulted in a classification of likely benign for this disease.

Illumina Laboratory Services, Illumina
Classification: Benign for Hypertrophic cardiomyopathy 3. Last evaluated: 2018-01-13. Review status: criteria provided, single submitter. Criteria: ICSL Variant Classification Criteria 13 December 2019. Collection method: clinical testing. Allele origin: germline.
Comment: This variant was observed in the ICSL laboratory as part of a predisposition screen in an ostensibly healthy population. It had not been previously curated by ICSL or reported in the Human Gene Mutation Database (HGMD: prior to June 1st, 2018), and was therefore a candidate for classification through an automated scoring system. Utilizing variant allele frequency, disease prevalence and penetrance estimates, and inheritance mode, an automated score was calculated to assess if this variant is too frequent to cause the disease. Based on the score and internal cut-off values, a variant classified as benign is not then subjected to further curation. The score for this variant resulted in a classification of benign for this disease.

Laboratory for Molecular Medicine, Mass General Brigham Personalized Medicine
Classification: Benign. Last evaluated: 2016-05-10. Review status: criteria provided, single submitter. Criteria: LMM Criteria. Collection method: clinical testing. Allele origin: germline. Observed: 518 variant alleles.
Comment: p.Tyr162Tyr in exon 4 of TPM1: This variant is not expected to have clinical sig nificance because it does not alter an amino acid residue and is not located wit hin the splice consensus sequence. It has been identified in 8% (5101/66566) of European chromosomes by the Exome Aggregation Consortium (ExAC; dbSNP rs11558747).

Mayo Clinic Laboratories, Mayo Clinic
Classification: Benign. Last evaluated: 2015-03-30. Review status: criteria provided, single submitter. Criteria: ACMG Guidelines, 2015. Collection method: clinical testing. Allele origin: germline. Observed: 171 variant alleles.

Ambry Genetics
Classification: Benign for Cardiovascular phenotype. Last evaluated: 2015-03-17. Review status: criteria provided, single submitter. Criteria: Ambry Variant Classification Scheme 2023. Collection method: clinical testing. Allele origin: germline.

GeneDx
Classification: Benign. Last evaluated: 2011-06-27. Review status: criteria provided, single submitter. Criteria: GeneDx Variant Classification (06012015). Collection method: clinical testing. Allele origin: germline. Affected: yes.
Comment: This variant is considered likely benign or benign based on one or more of the following criteria: it is a conservative change, it occurs at a poorly conserved position in the protein, it is predicted to be benign by multiple in silico algorithms, and/or has population frequency not consistent with disease.

Breakthrough Genomics
Classification: Likely benign. Review status: criteria provided, single submitter. Criteria: ACMG Guidelines, 2015. Collection method: not provided. Allele origin: germline. Inheritance: Autosomal dominant inheritance. Affected: yes.

PreventionGenetics, part of Exact Sciences
Classification: Benign. Review status: criteria provided, single submitter. Criteria: ACMG Guidelines, 2015. Collection method: clinical testing. Allele origin: germline.

Leiden Muscular Dystrophy (TPM1)
No classification provided. Last evaluated: 2012-04-15. Review status: no classification provided. Collection method: curation. Allele origin: germline. Not counted in ClinVar's aggregate classification.

Clinical Genetics DNA and cytogenetics Diagnostics Lab, Erasmus MC, Erasmus Medical Center
Classification: Benign. Review status: no assertion criteria provided. Collection method: clinical testing. Allele origin: germline. Affected: yes. Study: VKGL Data-share Consensus. Not counted in ClinVar's aggregate classification.

Clinical Genetics, Academic Medical Center
Classification: Benign. Review status: no assertion criteria provided. Collection method: clinical testing. Allele origin: germline. Affected: yes. Study: VKGL Data-share Consensus. Not counted in ClinVar's aggregate classification.

Joint Genome Diagnostic Labs from Nijmegen and Maastricht, Radboudumc and MUMC+
Classification: Benign. Review status: no assertion criteria provided. Collection method: clinical testing. Allele origin: germline. Affected: yes. Study: VKGL Data-share Consensus. Not counted in ClinVar's aggregate classification.

Literature cited by the submitters: PubMed 24183960 (cited by Laboratory for Molecular Medicine, Mass General Brigham Personalized Medicine).

NM_001018005.2(TPM1):c.486T>C (p.Tyr162=)

Gene: TPM1 (tropomyosin 1; plus strand). Cytogenetic location: 15q22.2.
Variant type: single nucleotide variant.
Coding change: c.486T>C on transcript NM_001018005.2 (MANE Select); coding-DNA position 486, T replaced by C.
Protein change: p.Tyr162=; no amino-acid change (tyrosine 162 retained).
Molecular consequence: synonymous variant.
Genome position (GRCh38, 1-based): chr15:63,059,674, T>C. VCF-style: chr15-63059674-T-C. GRCh37 (hg19) VCF-style: chr15-63351873-T-C.
Other names: p.Y162Y:TAT>TAC; p.Tyr162=; c.486T>C, p.Tyr162= (NM_000366.6, NM_001018004.2, NM_001018006.2 and 6 more transcripts); c.378T>C, p.Tyr126= (NM_001018008.2, NM_001301289.2, NM_001330344.2 and 5 more transcripts); c.612T>C, p.Tyr204= (NM_001365778.1).
Identifiers: ClinVar variation 31889 (VCV000031889.41), dbSNP rs11558747, ClinGen allele CA018083.